The following is an entry in ClinVar:

NM_005909.5(MAP1B):c.96C>T (p.Phe32=)

Gene: MAP1B (microtubule associated protein 1B; plus strand). Cytogenetic location: 5q13.2.
Variant type: single nucleotide variant.
Coding change: c.96C>T on transcript NM_005909.5 (MANE Select); coding-DNA position 96, C replaced by T.
Protein change: p.Phe32=; no amino-acid change (phenylalanine 32 retained).
Molecular consequence: synonymous variant.
Genome position (GRCh38, 1-based): chr5:72,107,627, C>T. VCF-style: chr5-72107627-C-T. GRCh37 (hg19) VCF-style: chr5-71403454-C-T.
Identifiers: ClinVar variation 738238 (VCV000738238.5), dbSNP rs150109655, ClinGen allele CA3298388.

ClinVar aggregate classification (germline): Benign. Review status: criteria provided, single submitter (1 of 4 stars). 2 submissions from 2 submitters: Benign (1). 1 of the submissions does not count toward it. Last evaluated 2018-10-17.

Conditions:
MAP1B-related disorder. Also called: MAP1B-related condition.

Allele frequency attached by ClinVar (database versions not stated): gnomAD exomes 0.00004 and 0.00017; ExAC 0.00025; TOPMed 0.00060; ESP Exome Variant Server 0.00062; gnomAD 0.00066 and 0.00074; 1000 Genomes Project 30x 0.00094; 1000 Genomes Project 0.00100.
gnomAD v4.1: 167 of 1,600,356 alleles (0.01%); highest among the groups gnomAD compares: African/African-American, 0.19%; no homozygotes.

Submissions (2):

Labcorp Genetics (formerly Invitae), Labcorp
Classification: Benign. Last evaluated: 2018-10-17. Review status: criteria provided, single submitter. Criteria: Invitae Variant Classification Sherloc (09022015). Collection method: clinical testing. Allele origin: germline.

PreventionGenetics, part of Exact Sciences
Classification: Likely benign for MAP1B-related condition. Last evaluated: 2019-07-12. Review status: no assertion criteria provided. Collection method: clinical testing. Allele origin: germline. Not counted in ClinVar's aggregate classification.
Comment: This variant is classified as likely benign based on ACMG/AMP sequence variant interpretation guidelines (Richards et al. 2015 PMID: 25741868, with internal and published modifications).